The following is an entry in ClinVar:

ClinVar aggregate classification (germline): Uncertain significance (1 of 4 stars; one submission).

Allele frequency attached by ClinVar (database versions not stated): ExAC 0.00001; gnomAD 0.00001; TOPMed 0.00001; 1000 Genomes Project 30x 0.00016; 1000 Genomes Project 0.00020.
gnomAD v4.1: 2 of 1,614,116 alleles (0.00012%); highest among the groups gnomAD compares: African/African-American, 0.0027%; no homozygotes.

Submission:

Ambry Genetics
Classification: Uncertain significance. Last evaluated: 2023-12-21. Review status: criteria provided, single submitter. Criteria: Ambry Variant Classification Scheme 2023. Collection method: clinical testing. Allele origin: germline.
Comment: The p.V764L variant (also known as c.2290G>C), located in coding exon 1 of the MLH3 gene, results from a G to C substitution at nucleotide position 2290. The valine at codon 764 is replaced by leucine, an amino acid with highly similar properties. This amino acid position is conserved. In addition, this alteration is predicted to be tolerated by in silico analysis. Since supporting evidence is limited at this time, the clinical significance of this alteration remains unclear.

NM_001040108.2(MLH3):c.2290G>C (p.Val764Leu)

Gene: MLH3 (mutL homolog 3; minus strand). Cytogenetic location: 14q24.3.
Variant type: single nucleotide variant.
Coding change: c.2290G>C on transcript NM_001040108.2 (MANE Select); coding-DNA position 2290, G replaced by C.
Protein change: p.Val764Leu; replaces valine 764 with leucine.
Molecular consequence: missense variant.
Genome position (GRCh38, 1-based): chr14:75,047,366, C>G on the plus strand (G>C on the coding strand, the complement: MLH3 is on the minus strand). VCF-style: chr14-75047366-C-G. GRCh37 (hg19) VCF-style: chr14-75514069-C-G.
Other names: c.2290G>C, p.Val764Leu (NM_014381.3); short protein forms V764L.
Identifiers: ClinVar variation 1789108 (VCV001789108.2), dbSNP rs550905066, ClinGen allele CA7275723.